The following is an entry in ClinVar:

NM_001711.6(BGN):c.645C>G (p.Ile215Met)

Gene: BGN (biglycan; plus strand). Cytogenetic location: Xq28.
Variant type: single nucleotide variant.
Coding change: c.645C>G on transcript NM_001711.6 (MANE Select); coding-DNA position 645, C replaced by G.
Protein change: p.Ile215Met; replaces isoleucine 215 with methionine.
Molecular consequence: missense variant.
Genome position (GRCh38, 1-based): chrX:153,506,608, C>G. VCF-style: chrX-153506608-C-G. GRCh37 (hg19) VCF-style: chrX-152772066-C-G.
Other names: short protein forms I215M.
Identifiers: ClinVar variation 1029523 (VCV001029523.1), dbSNP rs2089802360, ClinGen allele CA415070739.
Genomic context (GRCh38, chrX:153,506,608, plus strand): 5'-GGAGAACAGTGGCTTTGAACCTGGAGCCTTCGATGGCCTGAAGCTCAACTACCTGCGCAT[C>G]TCAGAGGCCAAGCTGACTGGCATCCCCAAAGGTAGGAAGCCCACTCTTCCTGCACGCCTG-3'
Protein context (NP_001702.1, residues 205-225): FDGLKLNYLR[Ile215Met]SEAKLTGIPK

ClinVar aggregate classification (germline): Uncertain significance (1 of 4 stars; one submission).

Conditions:
X-linked spondyloepimetaphyseal dysplasia. Identifiers: Orphanet 93349, MedGen C1848097, MONDO:0010248, OMIM 300106.

Submission:

Baylor Genetics
Classification: Uncertain significance for X-linked spondyloepimetaphyseal dysplasia. Last evaluated: 2020-06-03. Review status: criteria provided, single submitter. Criteria: ACMG Guidelines, 2015. Collection method: clinical testing. Allele origin: unknown. Affected: yes.
Comment: This variant was determined to be of uncertain significance according to ACMG Guidelines, 2015 [PMID:25741868].